The following is an entry in ClinVar:

NM_017831.4(RNF125):c.520C>T (p.Arg174Cys)

Gene: RNF125 (ring finger protein 125; plus strand). Cytogenetic location: 18q12.1.
Variant type: single nucleotide variant.
Coding change: c.520C>T on transcript NM_017831.4 (MANE Select); coding-DNA position 520, C replaced by T.
Protein change: p.Arg174Cys; replaces arginine 174 with cysteine.
Molecular consequence: missense variant.
Genome position (GRCh38, 1-based): chr18:32,065,917, C>T. VCF-style: chr18-32065917-C-T. GRCh37 (hg19) VCF-style: chr18-29645880-C-T.
Other names: c.520C>T (NM_017831.3); short protein forms R174C.
Identifiers: ClinVar variation 183422 (VCV000183422.3), dbSNP rs370242930, ClinGen allele CA186101.

ClinVar aggregate classification (germline): Conflicting classifications of pathogenicity. Review status: no assertion criteria provided (0 of 4 stars). 2 submissions from 2 submitters: Pathogenic (1); Uncertain significance (1). Last evaluated 2024-04-15.

Conditions:
RNF125-related disorder. Also called: RNF125-related condition.
Tenorio syndrome (TNORS). Also called: OVERGROWTH, MACROCEPHALY, AND INTELLECTUAL DISABILITY SYNDROME. Identifiers: MedGen C4015710, MONDO:0014553, OMIM 616260.

Allele frequency attached by ClinVar (database versions not stated): TOPMed 0.00001; gnomAD exomes 0.00002 and 0.00001; gnomAD 0.00001; ExAC 0.00002; ESP Exome Variant Server 0.00008.
gnomAD v4.1: 13 of 1,611,426 alleles (0.00081%); highest among the groups gnomAD compares: South Asian, 0.0033%; no homozygotes.

Submissions (2):

PreventionGenetics, part of Exact Sciences
Classification: Uncertain significance for RNF125-related condition. Last evaluated: 2024-04-15. Review status: no assertion criteria provided. Collection method: clinical testing. Allele origin: germline.
Comment: The RNF125 c.520C>T variant is predicted to result in the amino acid substitution p.Arg174Cys. This variant was reported in multiple individuals with Tenorio syndrome (OMIM #616260; Tenorio et al. 2014. PubMed ID: 25196541; Tenorio-Castaño et al. 2021. PubMed ID: 34196401). This variant is reported in 0.0098% of alleles in individuals of South Asian descent in gnomAD. Although we suspect that this variant may be pathogenic, at this time, the clinical significance of this variant is uncertain due to the absence of conclusive functional and genetic evidence.

OMIM
Classification: Pathogenic for TENORIO SYNDROME. Last evaluated: 2014-12-01. Review status: no assertion criteria provided. Collection method: literature only. Allele origin: germline.

Literature cited by the submitters: PubMed 25196541 (cited by OMIM).